The following is an entry in ClinVar:

NM_000038.6(APC):c.1487C>A (p.Thr496Lys)

Gene: APC (APC regulator of Wnt signaling pathway; plus strand). Cytogenetic location: 5q22.2.
Variant type: single nucleotide variant.
Coding change: c.1487C>A on transcript NM_000038.6 (MANE Select); coding-DNA position 1487, C replaced by A.
Protein change: p.Thr496Lys; replaces threonine 496 with lysine.
Molecular consequence: missense variant.
Genome position (GRCh38, 1-based): chr5:112,827,186, C>A. VCF-style: chr5-112827186-C-A. GRCh37 (hg19) VCF-style: chr5-112162883-C-A.
Other names: c.1487C>A, p.Thr496Lys (NM_001127510.3, NM_001354895.2, NM_001407450.1); c.1433C>A, p.Thr478Lys (NM_001127511.3); c.1541C>A, p.Thr514Lys (NM_001354896.2, NM_001407447.1, NM_001407448.1 and 1 more transcripts); c.1517C>A, p.Thr506Lys (NM_001354897.2); c.1412C>A, p.Thr471Lys (NM_001354898.2); c.1403C>A, p.Thr468Lys (NM_001354899.2); c.1364C>A, p.Thr455Lys (NM_001354900.2); c.1310C>A, p.Thr437Lys (NM_001354901.2, NM_001407453.1); and 12 more; short protein forms T367K, T395K, T405K, T455K, T468K, T506K, T514K, T370K.
Identifiers: ClinVar variation 2800862 (VCV002800862.5), dbSNP rs1369979539, ClinGen allele CA16024564.
Genomic context (GRCh38, chr5:112,827,186, plus strand): 5'-CAGAATTATTGCAAGTGGACTGTGAAATGTATGGGCTTACTAATGACCACTACAGTATTA[C>A]ACTAAGACGATATGCTGGAATGGCTTTGACAAACTTGACTTTTGGAGATGTAGCCAACAA-3'
Protein context (NP_000029.2, residues 486-506): YGLTNDHYSI[Thr496Lys]LRRYAGMALT

ClinVar aggregate classification (germline): Uncertain significance. Review status: criteria provided, multiple submitters, no conflicts (2 of 4 stars). 3 submissions from 3 submitters: Uncertain significance (3). Last evaluated 2025-07-13.

Conditions:
Classic or attenuated familial adenomatous polyposis. Identifiers: MedGen CN372698, MONDO:0021057.
Familial adenomatous polyposis 1 (FAP1). Also called: FAMILIAL ADENOMATOUS POLYPOSIS 1, ATTENUATED; POLYPOSIS, ADENOMATOUS INTESTINAL. Identifiers: MedGen C2713442, MONDO:0021056, OMIM 175100. Disease mechanism: loss of function.
Hereditary cancer-predisposing syndrome. Also called: Hereditary neoplastic syndrome; Neoplastic Syndromes, Hereditary; Hereditary Cancer Syndrome; Tumor predisposition. Identifiers: Orphanet 140162, MedGen C0027672, MeSH D009386, MONDO:0015356.

Submissions (3):

Ambry Genetics
Classification: Uncertain significance for Hereditary cancer-predisposing syndrome. Last evaluated: 2025-07-13. Review status: criteria provided, single submitter. Criteria: Ambry Variant Classification Scheme 2023. Collection method: clinical testing. Allele origin: germline.
Comment: The p.T496K variant (also known as c.1487C>A), located in coding exon 11 of the APC gene, results from a C to A substitution at nucleotide position 1487. The threonine at codon 496 is replaced by lysine, an amino acid with similar properties. This amino acid position is conserved. In addition, in silico predictors for this gene do not accurately predict pathogenicity. Based on the available evidence, the clinical significance of this variant remains unclear.

Labcorp Genetics (formerly Invitae), Labcorp
Classification: Uncertain significance for Familial adenomatous polyposis 1. Last evaluated: 2025-01-17. Review status: criteria provided, single submitter. Criteria: Invitae Variant Classification Sherloc (09022015). Collection method: clinical testing. Allele origin: germline.
Comment: This sequence change replaces threonine, which is neutral and polar, with lysine, which is basic and polar, at codon 496 of the APC protein (p.Thr496Lys). This variant is not present in population databases (gnomAD no frequency). This variant has not been reported in the literature in individuals affected with APC-related conditions. ClinVar contains an entry for this variant (Variation ID: 2800862). Invitae Evidence Modeling of protein sequence and biophysical properties (such as structural, functional, and spatial information, amino acid conservation, physicochemical variation, residue mobility, and thermodynamic stability) indicates that this missense variant is not expected to disrupt APC protein function with a negative predictive value of 95%. In summary, the available evidence is currently insufficient to determine the role of this variant in disease. Therefore, it has been classified as a Variant of Uncertain Significance.

All of Us Research Program, National Institutes of Health
Classification: Uncertain significance for Classic or attenuated familial adenomatous polyposis. Last evaluated: 2024-03-05. Review status: criteria provided, single submitter. Criteria: ACMG Guidelines, 2015. Collection method: clinical testing. Allele origin: germline. Inheritance: Autosomal dominant inheritance. Observed: 1 variant allele, 1 heterozygote.
Comment: This study involves interpretation of variants in research participants for the purpose of population health screening. Participant phenotype was not available at the time of variant classification. Additional details can be found in publication PMID: 35346344, PMCID: PMC8962531